The following is an entry in ClinVar:

NM_004977.3(KCNC3):c.1628G>A (p.Gly543Asp)

Gene: KCNC3 (potassium voltage-gated channel subfamily C member 3; minus strand). Cytogenetic location: 19q13.33.
Variant type: single nucleotide variant.
Coding change: c.1628G>A on transcript NM_004977.3 (MANE Select); coding-DNA position 1628, G replaced by A.
Protein change: p.Gly543Asp; replaces glycine 543 with aspartic acid.
Molecular consequence: missense variant.
Genome position (GRCh38, 1-based): chr19:50,323,325, C>T on the plus strand (G>A on the coding strand, the complement: KCNC3 is on the minus strand). VCF-style: chr19-50323325-C-T. GRCh37 (hg19) VCF-style: chr19-50826582-C-T.
Other names: c.1400G>A, p.Gly467Asp (NM_001372305.1); short protein forms G467D, G543D.
Identifiers: ClinVar variation 4883619 (VCV004883619.2).

ClinVar aggregate classification (germline): Uncertain significance (1 of 4 stars; one submission).

Submission:

Dasa
Classification: Uncertain significance. Last evaluated: 2025-07-23. Review status: criteria provided, single submitter. Criteria: DASA Assertion Criteria. Collection method: clinical testing. Allele origin: germline.
Comment: NM_004977.3(KCNC3):c.1628G>A (p.Gly543Asp) is a missense variant that results in the substitution of glycine with aspartic acid. This variant is absent from population databases. Computational prediction algorithms are consistent with a deleterious effect. The currently available literature and clinical evidence are not sufficient to establish a definitive association between this variant and the reported condition. Therefore, this variant is classified as a variant of uncertain significance.